The following is an entry in ClinVar:

ClinVar aggregate classification (germline): Conflicting classifications of pathogenicity. Review status: criteria provided, conflicting classifications (1 of 4 stars). 3 submissions from 3 submitters: Uncertain significance (2); Likely benign (1). Last evaluated 2025-07-24.

Conditions:
Inborn genetic diseases. Identifiers: MedGen C0950123, MeSH D030342.

Allele frequency attached by ClinVar (database versions not stated): gnomAD exomes 0.00009 and 0.00015; ExAC 0.00018; gnomAD 0.00007 and 0.00009; TOPMed 0.00007.
gnomAD v4.1: 144 of 1,613,966 alleles (0.0089%); highest among the groups gnomAD compares: South Asian, 0.076%; no homozygotes.

Submissions (3):

Molecular Diagnostic Laboratory for Inherited Cardiovascular Disease, Montreal Heart Institute
Classification: Likely benign. Last evaluated: 2025-07-24. Review status: criteria provided, single submitter. Criteria: ACMG Guidelines, 2015. Collection method: clinical testing. Allele origin: germline. Affected: no.
Comment: BS1, BP4

Ambry Genetics
Classification: Uncertain significance for Inborn genetic diseases. Last evaluated: 2024-11-21. Review status: criteria provided, single submitter. Criteria: Ambry Variant Classification Scheme 2023. Collection method: clinical testing. Allele origin: germline.

Labcorp Genetics (formerly Invitae), Labcorp
Classification: Uncertain significance. Last evaluated: 2022-11-01. Review status: criteria provided, single submitter. Criteria: Invitae Variant Classification Sherloc (09022015). Collection method: clinical testing. Allele origin: germline.
Comment: This sequence change replaces isoleucine, which is neutral and non-polar, with threonine, which is neutral and polar, at codon 285 of the PPCS protein (p.Ile285Thr). This variant is present in population databases (rs780467070, gnomAD 0.08%). This variant has not been reported in the literature in individuals affected with PPCS-related conditions. ClinVar contains an entry for this variant (Variation ID: 1374099). Advanced modeling of protein sequence and biophysical properties (such as structural, functional, and spatial information, amino acid conservation, physicochemical variation, residue mobility, and thermodynamic stability) performed at Invitae indicates that this missense variant is not expected to disrupt PPCS protein function. In summary, the available evidence is currently insufficient to determine the role of this variant in disease. Therefore, it has been classified as a Variant of Uncertain Significance.

NM_024664.4(PPCS):c.854T>C (p.Ile285Thr)

Genes: CCDC30 (coiled-coil domain containing 30; plus strand), PPCS (phosphopantothenoylcysteine synthetase; plus strand). Cytogenetic location: 1p34.2.
Variant type: single nucleotide variant.
Coding change: c.854T>C on transcript NM_024664.4 (MANE Select); coding-DNA position 854, T replaced by C.
Protein change: p.Ile285Thr; replaces isoleucine 285 with threonine.
Molecular consequence: missense variant. On other transcripts: intron variant (2).
Genome position (GRCh38, 1-based): chr1:42,459,844, T>C. VCF-style: chr1-42459844-T-C. GRCh37 (hg19) VCF-style: chr1-42925515-T-C.
Other names: c.335T>C, p.Ile112Thr (NM_001077447.3, NM_001287506.1, NM_001287508.2 and 2 more transcripts); c.236T>C, p.Ile79Thr (NM_001287507.1); c.-880+2494T>C (NM_001355226.2); c.612+2494T>C (NM_001287511.2); short protein forms I79T, I285T, I112T.
Identifiers: ClinVar variation 1374099 (VCV001374099.5), dbSNP rs780467070, ClinGen allele CA800086.